The following is an entry in ClinVar:

NM_006766.5(KAT6A):c.2366A>G (p.Glu789Gly)

Gene: KAT6A (lysine acetyltransferase 6A; minus strand). Cytogenetic location: 8p11.21.
Variant type: single nucleotide variant.
Coding change: c.2366A>G on transcript NM_006766.5 (MANE Select); coding-DNA position 2366, A replaced by G.
Protein change: p.Glu789Gly; replaces glutamic acid 789 with glycine.
Molecular consequence: missense variant.
Genome position (GRCh38, 1-based): chr8:41,942,863, T>C on the plus strand (A>G on the coding strand, the complement: KAT6A is on the minus strand). VCF-style: chr8-41942863-T-C. GRCh37 (hg19) VCF-style: chr8-41800381-T-C.
Other names: c.2366A>G, p.Glu789Gly (NM_001305878.2); short protein forms E789G.
Identifiers: ClinVar variation 1304714 (VCV001304714.5), dbSNP rs1017972143, ClinGen allele CA175945198.

ClinVar aggregate classification (germline): Conflicting classifications of pathogenicity. Review status: criteria provided, conflicting classifications (1 of 4 stars). 2 submissions from 2 submitters: Uncertain significance (1); Likely benign (1). Last evaluated 2025-09-08.

Allele frequency attached by ClinVar (database versions not stated): gnomAD exomes 0.00001 and below 0.00001.
gnomAD v4.1: 21 of 1,614,172 alleles (0.0013%); highest among the groups gnomAD compares: Non-Finnish European, 0.0015%; no homozygotes.

Submissions (2):

Labcorp Genetics (formerly Invitae), Labcorp
Classification: Likely benign. Last evaluated: 2025-09-08. Review status: criteria provided, single submitter. Criteria: Invitae Variant Classification Sherloc (09022015). Collection method: clinical testing. Allele origin: germline.

GeneDx
Classification: Uncertain significance. Last evaluated: 2019-11-19. Review status: criteria provided, single submitter. Criteria: GeneDx Variant Classification Process June 2021. Collection method: clinical testing. Allele origin: germline. Affected: yes.
Comment: In silico analysis, which includes protein predictors and evolutionary conservation, supports a deleterious effect; Has not been previously published as pathogenic or benign to our knowledge